The following is an entry in ClinVar:

NM_003400.4(XPO1):c.888+1G>A

Gene: XPO1 (exportin 1; minus strand). Cytogenetic location: 2p15.
Variant type: single nucleotide variant.
Coding change: c.888+1G>A on transcript NM_003400.4 (MANE Select); the canonical splice donor site of the intron after coding-DNA position 888, G replaced by A.
Molecular consequence: splice donor variant.
Genome position (GRCh38, 1-based): chr2:61,496,878, C>T on the plus strand (G>A on the coding strand, the complement: XPO1 is on the minus strand). VCF-style: chr2-61496878-C-T. GRCh37 (hg19) VCF-style: chr2-61724013-C-T.
Other names: c.888+1G>A (NM_001410799.1).
Identifiers: ClinVar variation 4073409 (VCV004073409.1).

ClinVar aggregate classification (germline): Pathogenic (1 of 4 stars; one submission).

Conditions:
XPO1-associated Neurodevelopmental Disorder.

Submission:

Genome Diagnostics Laboratory, University Medical Center Utrecht
Classification: Pathogenic for XPO1-associated Neurodevelopmental Disorder. Last evaluated: 2025-07-21. Review status: criteria provided, single submitter. Criteria: ACMG Guidelines, 2015. Collection method: research. Allele origin: germline. Affected: yes.
Comment: ACMG/AMP (Richards et al, 2015): PVS1, PS2, PM2